The following is an entry in ClinVar:

NM_020964.3(EPG5):c.4719T>G (p.Tyr1573Ter)

Gene: EPG5 (ectopic P-granules 5 autophagy tethering factor; minus strand). Cytogenetic location: 18q12.3.
Variant type: single nucleotide variant.
Coding change: c.4719T>G on transcript NM_020964.3 (MANE Select); coding-DNA position 4719, T replaced by G.
Protein change: p.Tyr1573Ter; replaces tyrosine 1573 with a stop codon.
Molecular consequence: nonsense.
Genome position (GRCh38, 1-based): chr18:45,899,494, A>C on the plus strand (T>G on the coding strand, the complement: EPG5 is on the minus strand). VCF-style: chr18-45899494-A-C. GRCh37 (hg19) VCF-style: chr18-43479459-A-C.
Other names: c.4719T>G, p.Tyr1573Ter (NM_001410858.1, NM_001410859.1); short protein forms Y1573*.
Identifiers: ClinVar variation 2754865 (VCV002754865.3), dbSNP rs759148474, ClinGen allele CA402336941.

ClinVar aggregate classification (germline): Pathogenic (1 of 4 stars; one submission).

Conditions:
Vici syndrome (VICIS). Identifiers: Orphanet 1493, MedGen C1855772, MONDO:0009452, OMIM 242840.

Submission:

Labcorp Genetics (formerly Invitae), Labcorp
Classification: Pathogenic for Vici syndrome. Last evaluated: 2023-08-24. Review status: criteria provided, single submitter. Criteria: Invitae Variant Classification Sherloc (09022015). Collection method: clinical testing. Allele origin: germline.
Comment: For these reasons, this variant has been classified as Pathogenic. This variant has not been reported in the literature in individuals affected with EPG5-related conditions. This variant is not present in population databases (gnomAD no frequency). This sequence change creates a premature translational stop signal (p.Tyr1573*) in the EPG5 gene. It is expected to result in an absent or disrupted protein product. Loss-of-function variants in EPG5 are known to be pathogenic (PMID: 23222957, 23674064).

Literature cited by the submitters: PubMed 23222957; PubMed 23674064.